The following is an entry in ClinVar:

ClinVar aggregate classification (germline): Pathogenic (1 of 4 stars; one submission).

Conditions:
Hereditary cancer-predisposing syndrome. Also called: Hereditary neoplastic syndrome; Neoplastic Syndromes, Hereditary; Tumor predisposition; Hereditary Cancer Syndrome. Identifiers: Orphanet 140162, MedGen C0027672, MeSH D009386, MONDO:0015356.

Submission:

Ambry Genetics
Classification: Pathogenic for Hereditary cancer-predisposing syndrome. Last evaluated: 2021-11-24. Review status: criteria provided, single submitter. Criteria: Ambry Variant Classification Scheme 2023. Collection method: clinical testing. Allele origin: germline.
Comment: The c.5966_5979del14insCGAGTA pathogenic mutation, located in coding exon 39 of the ATM gene, results from the deletion of 14 nucleotides and insertion of 6 nucleotides causing a translational frameshift with a predicted alternate stop codon (p.L1989Sfs*26). This alteration is expected to result in loss of function by premature protein truncation or nonsense-mediated mRNA decay. As such, this alteration is interpreted as a disease-causing mutation.

NM_000051.4(ATM):c.5966_5979delinsCGAGTA (p.Leu1989fs)

Genes: ATM (ATM serine/threonine kinase; plus strand), C11orf65 (chromosome 11 open reading frame 65; minus strand). Cytogenetic location: 11q22.3.
Variant type: Indel.
Coding change: c.5966_5979delinsCGAGTA on transcript NM_000051.4 (MANE Select); coding-DNA positions 5966 to 5979, TGAGTGAAAAAAGT replaced by CGAGTA.
Protein change: p.Leu1989fs; shifts the reading frame from leucine 1989.
Molecular consequence: frameshift variant. On other transcripts: intron variant (2).
Genome position (GRCh38, 1-based): chr11:108,312,458-108,312,471, TGAGTGAAAAAAGT replaced by CGAGTA. VCF-style: chr11-108312458-TGAGTGAAAAAAGT-CGAGTA. GRCh37 (hg19) VCF-style: chr11-108183185-TGAGTGAAAAAAGT-CGAGTA.
Other names: c.5966_5979del14insCGAGTA (NM_000051.3); c.5966_5979delinsCGAGTA, p.Leu1989fs (NM_001351834.2); c.641-3400_641-3387delinsTACTCG (NM_001330368.2); c.*39-3400_*39-3387delinsTACTCG (NM_001351110.2); short protein forms L1989fs.
Identifiers: ClinVar variation 1750752 (VCV001750752.2), dbSNP rs2547053369, ClinGen allele CA2580082997.